The following is an entry in ClinVar:

NM_000038.6(APC):c.5758C>G (p.Arg1920Gly)

Gene: APC (APC regulator of Wnt signaling pathway; plus strand). Cytogenetic location: 5q22.2.
Variant type: single nucleotide variant.
Coding change: c.5758C>G on transcript NM_000038.6 (MANE Select); coding-DNA position 5758, C replaced by G.
Protein change: p.Arg1920Gly; replaces arginine 1920 with glycine.
Molecular consequence: missense variant.
Genome position (GRCh38, 1-based): chr5:112,841,352, C>G. VCF-style: chr5-112841352-C-G. GRCh37 (hg19) VCF-style: chr5-112177049-C-G.
Other names: p.R1920G:CGA>GGA; c.5758C>G, p.Arg1920Gly (NM_001127510.3, NM_001354895.2); c.5704C>G, p.Arg1902Gly (NM_001127511.3); c.5812C>G, p.Arg1938Gly (NM_001354896.2); c.5788C>G, p.Arg1930Gly (NM_001354897.2); c.5683C>G, p.Arg1895Gly (NM_001354898.2); c.5674C>G, p.Arg1892Gly (NM_001354899.2); c.5635C>G, p.Arg1879Gly (NM_001354900.2); and 6 more; short protein forms R1920G, R1902G, R1794G, R1637G, R1930G, R1760G, R1819G, R1829G.
Identifiers: ClinVar variation 127308 (VCV000127308.63), dbSNP rs587779800, ClinGen allele CA010637.
Genomic context (GRCh38, chr5:112,841,352, plus strand): 5'-CTAACCTCCAACCAACAATCAGCTAATAAGACACAAGCTATTGCAAAGCAGCCAATAAAT[C>G]GAGGTCAGCCTAAACCCATACTTCAGAAACAATCCACTTTTCCCCAGTCATCCAAAGACA-3'
Protein context (NP_000029.2, residues 1910-1930): TQAIAKQPIN[Arg1920Gly]GQPKPILQKQ

ClinVar aggregate classification (germline): Conflicting classifications of pathogenicity. Review status: criteria provided, conflicting classifications (1 of 4 stars). 7 submissions from 7 submitters: Uncertain significance (6); Benign (1). Last evaluated 2025-08-01.

Conditions:
Classic or attenuated familial adenomatous polyposis. Identifiers: MedGen CN372698, MONDO:0021057.
Ovarian cancer. Also called: OVARIAN CANCER, SOMATIC. Identifiers: Orphanet 213500, MedGen C1140680, MONDO:0008170, OMIM 167000.
Hereditary cancer-predisposing syndrome. Also called: Hereditary Cancer Syndrome; Hereditary neoplastic syndrome; Tumor predisposition; Neoplastic Syndromes, Hereditary. Identifiers: Orphanet 140162, MedGen C0027672, MeSH D009386, MONDO:0015356.
Familial adenomatous polyposis 1 (FAP1). Also called: FAMILIAL ADENOMATOUS POLYPOSIS 1, ATTENUATED; POLYPOSIS, ADENOMATOUS INTESTINAL. Identifiers: MedGen C2713442, MONDO:0021056, OMIM 175100. Disease mechanism: loss of function.

Allele frequency attached by ClinVar (database versions not stated): TOPMed below 0.00001; ExAC 0.00002; gnomAD exomes 0.00002.
gnomAD v4.1: 26 of 1,613,694 alleles (0.0016%); highest among the groups gnomAD compares: Non-Finnish European, 0.0017%; no homozygotes.

Submissions (7):

Ambry Genetics
Classification: Uncertain significance for Hereditary cancer-predisposing syndrome. Last evaluated: 2025-08-01. Review status: criteria provided, single submitter. Criteria: Ambry Variant Classification Scheme 2023. Collection method: clinical testing. Allele origin: germline.
Comment: The p.R1920G variant (also known as c.5758C>G), located in coding exon 15 of the APC gene, results from a C to G substitution at nucleotide position 5758. The arginine at codon 1920 is replaced by glycine, an amino acid with dissimilar properties. This amino acid position is highly conserved in available vertebrate species. In addition, in silico predictors for this gene do not accurately predict pathogenicity. Missense alterations in APC are not a common cause of disease (Spier I et al. Genet Med. 2024 Feb;26(2):100992). Since supporting evidence is limited at this time, the clinical significance of this alteration remains unclear.

Labcorp Genetics (formerly Invitae), Labcorp
Classification: Uncertain significance for Familial adenomatous polyposis 1. Last evaluated: 2024-11-24. Review status: criteria provided, single submitter. Criteria: Invitae Variant Classification Sherloc (09022015). Collection method: clinical testing. Allele origin: germline.
Comment: This sequence change replaces arginine, which is basic and polar, with glycine, which is neutral and non-polar, at codon 1920 of the APC protein (p.Arg1920Gly). This variant is present in population databases (rs587779800, gnomAD 0.009%). This variant has not been reported in the literature in individuals affected with APC-related conditions. ClinVar contains an entry for this variant (Variation ID: 127308). Invitae Evidence Modeling of protein sequence and biophysical properties (such as structural, functional, and spatial information, amino acid conservation, physicochemical variation, residue mobility, and thermodynamic stability) indicates that this missense variant is not expected to disrupt APC protein function with a negative predictive value of 95%. In summary, the available evidence is currently insufficient to determine the role of this variant in disease. Therefore, it has been classified as a Variant of Uncertain Significance.

Color Diagnostics, LLC DBA Color Health
Classification: Uncertain significance for Hereditary cancer-predisposing syndrome. Last evaluated: 2024-05-06. Review status: criteria provided, single submitter. Criteria: ACMG Guidelines, 2015. Collection method: clinical testing. Allele origin: germline.
Comment: This missense variant replaces arginine with glycine at codon 1920 of the APC protein. Computational prediction is inconclusive regarding the impact of this variant on protein structure and function (internally defined REVEL score threshold 0.5 < inconclusive < 0.7, PMID: 27666373). To our knowledge, functional studies have not been reported for this variant. This variant has not been reported in individuals affected with APC-related disorders in the literature. This variant has been identified in 4/249930 chromosomes in the general population by the Genome Aggregation Database (gnomAD). The available evidence is insufficient to determine the role of this variant in disease conclusively. Therefore, this variant is classified as a Variant of Uncertain Significance.

All of Us Research Program, National Institutes of Health
Classification: Uncertain significance for Classic or attenuated familial adenomatous polyposis. Last evaluated: 2024-03-24. Review status: criteria provided, single submitter. Criteria: ACMG Guidelines, 2015. Collection method: clinical testing. Allele origin: germline. Inheritance: Autosomal dominant inheritance. Observed: 4 variant alleles, 4 heterozygotes.
Comment: This missense variant replaces arginine with glycine at codon 1920 of the APC protein. Computational prediction is inconclusive regarding the impact of this variant on protein structure and function (internally defined REVEL score threshold 0.5 < inconclusive < 0.7, PMID: 27666373). Splice site prediction tools suggest that this variant may not impact RNA splicing. To our knowledge, functional studies have not been performed for this variant. This variant has not been reported in individuals affected with hereditary cancer in the literature. This variant has been identified in 4/249930 chromosomes in the general population by the Genome Aggregation Database (gnomAD). The available evidence is insufficient to determine the role of this variant in disease conclusively. Therefore, this variant is classified as a Variant of Uncertain Significance.

This study involves interpretation of variants in research participants for the purpose of population health screening. Participant phenotype was not available at the time of variant classification. Additional details can be found in publication PMID: 35346344, PMCID: PMC8962531

Baylor Genetics
Classification: Uncertain significance for Familial adenomatous polyposis 1. Last evaluated: 2023-08-10. Review status: criteria provided, single submitter. Criteria: ACMG Guidelines, 2015. Collection method: clinical testing. Allele origin: unknown.

Laboratory of Molecular Epidemiology of Birth Defects, West China Second University Hospital, Sichuan University
Classification: Benign for Ovarian cancer. Last evaluated: 2022-01-01. Review status: criteria provided, single submitter. Criteria: ACMG Guidelines, 2015. Collection method: clinical testing. Allele origin: germline. Affected: yes.

GeneDx
Classification: Uncertain significance. Last evaluated: 2019-10-07. Review status: criteria provided, single submitter. Criteria: GeneDx Variant Classification Process June 2021. Collection method: clinical testing. Allele origin: germline. Affected: yes.
Comment: Not observed at a significant frequency in large population cohorts (Lek 2016); In silico analysis, which includes protein predictors and evolutionary conservation, supports that this variant does not alter protein structure/function; Has not been previously published as a pathogenic or benign germline variant to our knowledge; This variant is associated with the following publications: (PMID: 25230021)